The following is an entry in ClinVar:

NM_001199107.2(TBC1D24):c.1627T>C (p.Phe543Leu)

Gene: TBC1D24 (TBC1 domain family member 24; plus strand). Cytogenetic location: 16p13.3.
Variant type: single nucleotide variant.
Coding change: c.1627T>C on transcript NM_001199107.2 (MANE Select); coding-DNA position 1627, T replaced by C.
Protein change: p.Phe543Leu; replaces phenylalanine 543 with leucine.
Molecular consequence: missense variant.
Genome position (GRCh38, 1-based): chr16:2,500,905, T>C. VCF-style: chr16-2500905-T-C. GRCh37 (hg19) VCF-style: chr16-2550906-T-C.
Other names: c.1609T>C, p.Phe537Leu (NM_020705.3); short protein forms F543L, F537L.
Identifiers: ClinVar variation 409617 (VCV000409617.9), dbSNP rs1060502502, ClinGen allele CA16614891.
Genomic context (GRCh38, chr16:2,500,905, plus strand): 5'-AACCGGGGCCGCACAAGCCACTGCGACACCTTCAACAACCAGCCCCTCTGCTCCGAGAAC[T>C]TCCTCATTGCTGCCGTGGAGGCCTGGGGCTTCCAGGACCCTGACACCCAGTGACGGCCTG-3'
Protein context (NP_001186036.1, residues 533-553): FNNQPLCSEN[Phe543Leu]LIAAVEAWGF

ClinVar aggregate classification (germline): Uncertain significance (1 of 4 stars; one submission).

Conditions:
Developmental and epileptic encephalopathy, 1 (DEE1). Also called: X-linked infantile spasms; West's syndrome; Tonic spasms with clustering, arrest of psychomotor development and hypsarrhythmia on EEG; X-Linked Infantile Spasm Syndrome; OHTAHARA SYNDROME, X-LINKED; INFANTILE SPASM SYNDROME, X-LINKED 1. Identifiers: MedGen C3463992, MONDO:0010632, OMIM 308350. Disease mechanism: loss of function.
Autosomal dominant nonsyndromic hearing loss 65. Also called: TBC1D24-Related Autosomal Dominant Nonsyndromic Hearing Loss (DFNA); Deafness, autosomal dominant 65. Identifiers: Orphanet 90635, MedGen C3892048, MONDO:0014470, OMIM 616044.

Submission:

Labcorp Genetics (formerly Invitae), Labcorp
Classification: Uncertain significance for Developmental and epileptic encephalopathy, 1; Autosomal dominant nonsyndromic hearing loss 65. Last evaluated: 2017-06-24. Review status: criteria provided, single submitter. Criteria: Invitae Variant Classification Sherloc (09022015). Collection method: clinical testing. Allele origin: germline.
Comment: In summary, this variant is a novel missense change with uncertain impact on protein function. It has been classified as a Variant of Uncertain Significance. Algorithms developed to predict the effect of missense changes on protein structure and function do not agree on the potential impact of this missense change (SIFT: "Deleterious"; PolyPhen-2: "Probably Damaging"; Align-GVGD: "Class C15"). This variant is not present in population databases (ExAC no frequency) and has not been reported in the literature in individuals with a TBC1D24-related disease. This sequence change replaces phenylalanine with leucine at codon 543 of the TBC1D24 protein (p.Phe543Leu). The phenylalanine residue is highly conserved and there is a small physicochemical difference between phenylalanine and leucine.